The following is an entry in ClinVar:

NM_001136472.2(LITAF):c.403C>G (p.Pro135Ala)

Gene: LITAF (lipopolysaccharide induced TNF factor; minus strand). Cytogenetic location: 16p13.13.
Variant type: single nucleotide variant.
Coding change: c.403C>G on transcript NM_001136472.2 (MANE Select); coding-DNA position 403, C replaced by G.
Protein change: p.Pro135Ala; replaces proline 135 with alanine.
Molecular consequence: missense variant. On other transcripts: 3 prime UTR variant (1), non-coding transcript variant (1).
Genome position (GRCh38, 1-based): chr16:11,549,720, G>C on the plus strand (C>G on the coding strand, the complement: LITAF is on the minus strand). VCF-style: chr16-11549720-G-C. GRCh37 (hg19) VCF-style: chr16-11643576-G-C.
Other names: c.*42C>G (NM_001136473.1); c.403C>G, p.Pro135Ala (NM_004862.4); short protein forms P135A.
Identifiers: ClinVar variation 2502274 (VCV002502274.2), dbSNP rs281865135, ClinGen allele CA394763565.

ClinVar aggregate classification (germline): Likely pathogenic (1 of 4 stars; one submission).

Conditions:
Charcot-Marie-Tooth disease type 1C. Also called: CHARCOT-MARIE-TOOTH NEUROPATHY, TYPE 1C; NEUROPATHY, HEREDITARY MOTOR AND SENSORY, TYPE IC; CMT, SLOW NERVE CONDUCTION TYPE C; HMSN IC; CHARCOT-MARIE-TOOTH DISEASE, DEMYELINATING, TYPE 1C; Charcot-Marie-Tooth disease, type IC. Identifiers: Orphanet 101083, MedGen C0270913, MONDO:0010995, OMIM 601098.

Submission:

Gemeinschaftspraxis fuer Humangenetik Dresden
Classification: Likely pathogenic for Charcot-Marie-Tooth disease type 1C. Last evaluated: 2022-12-22. Review status: criteria provided, single submitter. Criteria: ACMG Guidelines, 2015. Collection method: clinical testing. Allele origin: germline. Inheritance: Autosomal dominant inheritance. Affected: yes. Observed: 1 heterozygote.
Comment: This mutation c.403C>G, p.(Pro135Ala) is not reported in HGMD 2022.4, gnomAD (v2.1.1) or LOVD. But on same aminoacid position the pathogenic mutations p.(Pro135Ser), p.(Pro135Thr) and p.(Pro135Arg) for phenotype Charcot-Marie-Tooth disease Typ 1C are known. In summary, the p.Arg270Pro variant meets our criteria to be classified as likely pathogenic.